The following is an entry in ClinVar:

NM_000243.3(MEFV):c.1759+8C>T

Genes: MEFV (MEFV innate immunity regulator, pyrin; minus strand), LOC126862264 (CDK7 strongly-dependent group 2 enhancer GRCh37_chr16:3293322-3294521; plus strand). Cytogenetic location: 16p13.3.
Variant type: single nucleotide variant.
Coding change: c.1759+8C>T on transcript NM_000243.3 (MANE Select); 8 bases into the intron after coding-DNA position 1759, C replaced by T.
Molecular consequence: intron variant.
Genome position (GRCh38, 1-based): chr16:3,244,246, G>A on the plus strand (C>T on the coding strand, the complement: MEFV is on the minus strand). VCF-style: chr16-3244246-G-A. GRCh37 (hg19) VCF-style: chr16-3294246-G-A.
Other names: p.?; c.1126+8C>T (NM_001198536.2).
Identifiers: ClinVar variation 36504 (VCV000036504.34), dbSNP rs77380520, ClinGen allele CA203563.

ClinVar aggregate classification (germline): Benign/Likely benign. Review status: criteria provided, multiple submitters, no conflicts (2 of 4 stars). 13 submissions from 11 submitters: Benign (6); Likely benign (4). 3 of the submissions do not count toward it. Last evaluated 2026-02-04.

Conditions:
Acute febrile neutrophilic dermatosis (AFND). Also called: Sweet Syndrome; Gomm Button disease. Identifiers: Orphanet 3243, MedGen C0085077, MONDO:0011959, OMIM 608068.
Autoinflammatory syndrome. Identifiers: Orphanet 93665, MedGen C3890737, MONDO:0019751.
Familial Mediterranean fever, autosomal dominant. Also called: FMF, AUTOSOMAL DOMINANT; Dominant Familial Mediterranean Fever. Identifiers: Orphanet 342, MedGen C1851347, MONDO:0007601, OMIM 134610.
Familial Mediterranean fever (FMF). Also called: Periodic peritonitis; Benign paroxysmal peritonitis; POLYSEROSITIS, FAMILIAL PAROXYSMAL; POLYSEROSITIS, RECURRENT. Identifiers: Orphanet 342, MedGen C0031069, MONDO:0018088, OMIM 249100. Disease mechanism: gain of function.

Allele frequency attached by ClinVar (database versions not stated): ESP Exome Variant Server 0.00015; gnomAD 0.00321 and 0.00459; gnomAD exomes 0.00930 and 0.00339; ExAC 0.00931; TOPMed 0.00493; 1000 Genomes Project 30x 0.02249; 1000 Genomes Project 0.02536.
gnomAD v4.1: 6,079 of 1,613,954 alleles (0.38%); highest among the groups gnomAD compares: East Asian, 8.9%; 270 homozygotes.

Submissions (13):

Labcorp Genetics (formerly Invitae), Labcorp
Classification: Benign for Familial Mediterranean fever. Last evaluated: 2026-02-04. Review status: criteria provided, single submitter. Criteria: Invitae Variant Classification Sherloc (09022015). Collection method: clinical testing. Allele origin: germline.

ARUP Laboratories, Molecular Genetics and Genomics, ARUP Laboratories
Classification: Benign. Last evaluated: 2025-07-25. Review status: criteria provided, single submitter. Criteria: ARUP Molecular Germline Variant Investigation Process 2024. Collection method: clinical testing. Allele origin: germline.

Genome-Nilou Lab
Classification: Likely benign for Familial Mediterranean fever. Last evaluated: 2023-02-08. Review status: criteria provided, single submitter. Criteria: ACMG Guidelines, 2015. Collection method: clinical testing. Allele origin: germline.

Genome-Nilou Lab
Classification: Likely benign for Familial Mediterranean fever, autosomal dominant. Last evaluated: 2023-02-08. Review status: criteria provided, single submitter. Criteria: ACMG Guidelines, 2015. Collection method: clinical testing. Allele origin: germline.

Genome-Nilou Lab
Classification: Likely benign for Acute febrile neutrophilic dermatosis. Last evaluated: 2023-02-08. Review status: criteria provided, single submitter. Criteria: ACMG Guidelines, 2015. Collection method: clinical testing. Allele origin: germline.

Genome Diagnostics Laboratory, The Hospital for Sick Children
Classification: Benign for Autoinflammatory syndrome. Last evaluated: 2022-03-12. Review status: criteria provided, single submitter. Criteria: ACMG Guidelines, 2015. Collection method: clinical testing. Allele origin: germline. Affected: yes.

Mayo Clinic Laboratories, Mayo Clinic
Classification: Benign. Last evaluated: 2020-02-05. Review status: criteria provided, single submitter. Criteria: ACMG Guidelines, 2015. Collection method: clinical testing. Allele origin: germline. Observed: 9 variant alleles.

Illumina Laboratory Services, Illumina
Classification: Likely benign for Familial Mediterranean fever. Last evaluated: 2018-04-13. Review status: criteria provided, single submitter. Criteria: ICSL Variant Classification Criteria 13 December 2019. Collection method: clinical testing. Allele origin: germline.
Comment: This variant was observed as part of a predisposition screen in an ostensibly healthy population. A literature search was performed for the gene, cDNA change, and amino acid change (where applicable). No publications were found based on this search. Allele frequency data from public databases allowed determination this variant is unlikely to cause disease. Therefore, this variant is classified as likely benign.

Eurofins Ntd Llc (ga)
Classification: Benign. Last evaluated: 2014-11-19. Review status: criteria provided, single submitter. Criteria: EGL Classification Definitions 2015. Collection method: clinical testing. Allele origin: germline. Observed: 1 variant allele, 1 heterozygote.

GeneDx
Classification: Benign. Last evaluated: 2011-12-22. Review status: criteria provided, single submitter. Criteria: GeneDx Variant Classification (06012015). Collection method: clinical testing. Allele origin: germline. Affected: yes.
Comment: This variant is considered likely benign or benign based on one or more of the following criteria: it is a conservative change, it occurs at a poorly conserved position in the protein, it is predicted to be benign by multiple in silico algorithms, and/or has population frequency not consistent with disease.

Natera, Inc.
Classification: Benign for Familial Mediterranean fever. Last evaluated: 2020-09-16. Review status: no assertion criteria provided. Collection method: clinical testing. Allele origin: germline. Not counted in ClinVar's aggregate classification.

Women's Health and Genetics/Laboratory Corporation of America, LabCorp
Classification: Benign for Familial Mediterranean Fever. Last evaluated: 2011-05-23. Review status: no assertion criteria provided. Collection method: clinical testing. Allele origin: germline. Not counted in ClinVar's aggregate classification.

Unité médicale des maladies autoinflammatoires, CHRU Montpellier
No classification provided. Condition: Familial Mediterranean fever. Review status: no classification provided. Collection method: not provided. Allele origin: unknown. Not counted in ClinVar's aggregate classification.